The following is an entry in ClinVar:

ClinVar aggregate classification (germline): Likely benign. Review status: criteria provided, multiple submitters, no conflicts (2 of 4 stars). 2 submissions from 2 submitters: Likely benign (2). Last evaluated 2025-10-23.

Conditions:
Neuronopathy, distal hereditary motor, autosomal recessive 5. Also called: Spinal muscular atrophy, distal, autosomal recessive, 5; NEUROPATHY, DISTAL HEREDITARY MOTOR, AUTOSOMAL RECESSIVE 5; Young adult-onset distal hereditary motor neuropathy. Identifiers: Orphanet 314485, Orphanet 443950, MedGen C4749918, MONDO:0013947, OMIM 614881.
DNAJB2-related disorder. Also called: DNAJB2-related condition.

Allele frequency attached by ClinVar (database versions not stated): TOPMed below 0.00001; gnomAD 0.00001; ExAC 0.00002; gnomAD exomes 0.00002.

Submissions (2):

PreventionGenetics, part of Exact Sciences
Classification: Likely benign for DNAJB2-related condition. Last evaluated: 2025-10-23. Review status: criteria provided, single submitter. Criteria: ACMG Guidelines, 2015. Collection method: clinical testing. Allele origin: germline.
Comment: This variant is classified as likely benign based on ACMG/AMP sequence variant interpretation guidelines (Richards et al. 2015 PMID: 25741868, with internal and published modifications).

Labcorp Genetics (formerly Invitae), Labcorp
Classification: Likely benign for Neuronopathy, distal hereditary motor, autosomal recessive 5. Last evaluated: 2025-02-07. Review status: criteria provided, single submitter. Criteria: Invitae Variant Classification Sherloc (09022015). Collection method: clinical testing. Allele origin: germline.

NM_006736.6(DNAJB2):c.229+9A>C

Gene: DNAJB2 (DnaJ heat shock protein family (Hsp40) member B2; plus strand). Cytogenetic location: 2q35.
Variant type: single nucleotide variant.
Coding change: c.229+9A>C on transcript NM_006736.6 (MANE Select); 9 bases into the intron after coding-DNA position 229, A replaced by C.
Molecular consequence: intron variant.
Genome position (GRCh38, 1-based): chr2:219,281,780, A>C. VCF-style: chr2-219281780-A-C. GRCh37 (hg19) VCF-style: chr2-220146502-A-C.
Other names: c.229+9A>C (NM_006736.5, NM_001039550.2).
Identifiers: ClinVar variation 1557720 (VCV001557720.9), dbSNP rs754628028, ClinGen allele CA2122868.